The following is an entry in ClinVar:

NM_001267550.2(TTN):c.83600C>G (p.Pro27867Arg)

Genes: TTN (titin; minus strand), TTN-AS1 (TTN antisense RNA 1; plus strand). Cytogenetic location: 2q31.2.
Variant type: single nucleotide variant.
Coding change: c.83600C>G on transcript NM_001267550.2 (MANE Select); coding-DNA position 83600, C replaced by G.
Protein change: p.Pro27867Arg; replaces proline 27867 with arginine.
Molecular consequence: missense variant.
Genome position (GRCh38, 1-based): chr2:178,562,532, G>C on the plus strand (C>G on the coding strand, the complement: TTN is on the minus strand). VCF-style: chr2-178562532-G-C. GRCh37 (hg19) VCF-style: chr2-179427259-G-C.
Other names: c.78677C>G, p.Pro26226Arg (NM_001256850.1); c.56405C>G, p.Pro18802Arg (NM_003319.4); c.75896C>G, p.Pro25299Arg (NM_133378.4); c.56780C>G, p.Pro18927Arg (NM_133432.3); c.56981C>G, p.Pro18994Arg (NM_133437.4); short protein forms P18802R, P18994R, P27867R, P18927R, P25299R, P26226R.
Identifiers: ClinVar variation 871993 (VCV000871993.47), dbSNP rs374119634, ClinGen allele CA1988898.

ClinVar aggregate classification (germline): Conflicting classifications of pathogenicity. Review status: criteria provided, conflicting classifications (1 of 4 stars). 10 submissions from 6 submitters: Uncertain significance (9); Likely benign (1). Last evaluated 2023-11-02.

Conditions:
Dilated cardiomyopathy 1G (CMD1G). Identifiers: Orphanet 154, MedGen C1858763, MONDO:0011400, OMIM 604145.
Tibial muscular dystrophy (TMD). Also called: UDD MYOPATHY; Tibial muscular dystrophy, tardive; Udd Distal Myopathy – Tibial Muscular Dystrophy. Identifiers: Orphanet 609, MedGen C1838244, MONDO:0010870, OMIM 600334.
Autosomal recessive limb-girdle muscular dystrophy type 2J (LGMDR10). Also called: Limb-girdle muscular dystrophy, type 2J; MUSCULAR DYSTROPHY, LIMB-GIRDLE, AUTOSOMAL RECESSIVE 10. Identifiers: Orphanet 140922, MedGen C1837342, MONDO:0012127, OMIM 608807.
Myopathy, myofibrillar, 9, with early respiratory failure (MFM9). Also called: Hereditary myopathy with early respiratory failure; Myopathy, distal, with early respiratory failure, autosomal dominant; EDSTROM MYOPATHY; MYOPATHY, PROXIMAL, WITH EARLY RESPIRATORY MUSCLE INVOLVEMENT. Identifiers: Orphanet 178464, Orphanet 34521, MedGen C1863599, MONDO:0011362, OMIM 603689.
Cardiovascular phenotype. Identifiers: MedGen CN230736.
Early-onset myopathy with fatal cardiomyopathy (CMYO5). Also called: Salih Myopathy; CONGENITAL MYOPATHY 5 WITH CARDIOMYOPATHY. Identifiers: Orphanet 289377, MedGen C2673677, MONDO:0012714, OMIM 611705. Disease mechanism: loss of function.

Allele frequency attached by ClinVar (database versions not stated): ExAC 0.00004; gnomAD exomes 0.00004 and 0.00012; gnomAD 0.00006; TOPMed 0.00006; ESP Exome Variant Server 0.00008.
gnomAD v4.1: 178 of 1,610,180 alleles (0.011%); highest among the groups gnomAD compares: Non-Finnish European, 0.014%; no homozygotes.

Submissions (10):

ARUP Laboratories, Molecular Genetics and Genomics, ARUP Laboratories
Classification: Uncertain significance. Last evaluated: 2023-11-02. Review status: criteria provided, single submitter. Criteria: ARUP Molecular Germline Variant Investigation Process 2024. Collection method: clinical testing. Allele origin: germline.

Revvity Omics, Revvity
Classification: Uncertain significance. Last evaluated: 2023-07-11. Review status: criteria provided, single submitter. Criteria: ACMG Guidelines, 2015. Collection method: clinical testing. Allele origin: germline.

CeGaT Center for Human Genetics Tuebingen
Classification: Uncertain significance. Last evaluated: 2022-07-01. Review status: criteria provided, single submitter. Criteria: CeGaT Center For Human Genetics Tuebingen Variant Classification Criteria Version 2. Collection method: clinical testing. Allele origin: germline. Affected: yes. Observed: 1 variant allele.

Ambry Genetics
Classification: Uncertain significance for Cardiovascular phenotype. Last evaluated: 2020-09-02. Review status: criteria provided, single submitter. Criteria: Ambry Variant Classification Scheme 2023. Collection method: clinical testing. Allele origin: germline.
Comment: The p.P18802R variant (also known as c.56405C>G), located in coding exon 153 of the TTN gene, results from a C to G substitution at nucleotide position 56405. The proline at codon 18802 is replaced by arginine, an amino acid with dissimilar properties. This variant (referred to as p.P25299R, c.75896C>G) was detected in a cardiomyopathy/arrhythmia genetic testing cohort in an individual indicated as having dilated cardiomyopathy; however, clinical details were limited and this variant co-occurred with variants in other cardiac-related genes (van Lint FHM et al. Neth Heart J, 2019 Jun;27:304-309). This amino acid position is highly conserved in available vertebrate species. In addition, the in silico prediction for this alteration is inconclusive. Since supporting evidence is limited at this time, the clinical significance of this alteration remains unclear.

GeneDx
Classification: Likely benign. Last evaluated: 2020-04-03. Review status: criteria provided, single submitter. Criteria: GeneDx Variant Classification Process June 2021. Collection method: clinical testing. Allele origin: germline. Affected: yes.

Illumina Laboratory Services, Illumina
Classification: Uncertain significance for Dilated cardiomyopathy 1G. Last evaluated: 2018-01-12. Review status: criteria provided, single submitter. Criteria: ICSL Variant Classification Criteria 13 December 2019. Collection method: clinical testing. Allele origin: germline.

Illumina Laboratory Services, Illumina
Classification: Uncertain significance for Tibial muscular dystrophy. Last evaluated: 2018-01-12. Review status: criteria provided, single submitter. Criteria: ICSL Variant Classification Criteria 13 December 2019. Collection method: clinical testing. Allele origin: germline.

Illumina Laboratory Services, Illumina
Classification: Uncertain significance for Early-onset myopathy with fatal cardiomyopathy. Last evaluated: 2018-01-12. Review status: criteria provided, single submitter. Criteria: ICSL Variant Classification Criteria 13 December 2019. Collection method: clinical testing. Allele origin: germline.

Illumina Laboratory Services, Illumina
Classification: Uncertain significance for Myopathy, myofibrillar, 9, with early respiratory failure. Last evaluated: 2018-01-12. Review status: criteria provided, single submitter. Criteria: ICSL Variant Classification Criteria 13 December 2019. Collection method: clinical testing. Allele origin: germline.

Illumina Laboratory Services, Illumina
Classification: Uncertain significance for Autosomal recessive limb-girdle muscular dystrophy type 2J. Last evaluated: 2018-01-12. Review status: criteria provided, single submitter. Criteria: ICSL Variant Classification Criteria 13 December 2019. Collection method: clinical testing. Allele origin: germline.

Literature cited by the submitters: PubMed 30847666 (cited by Ambry Genetics).